The following is an entry in ClinVar:

ClinVar aggregate classification (germline): Uncertain significance (0 of 4 stars; one submission).

Conditions:
PKD1-related disorder. Also called: PKD1-related condition.

gnomAD v4.1: 25 of 1,596,514 alleles (0.0016%); highest among the groups gnomAD compares: South Asian, 0.0044%; no homozygotes.

Submission:

PreventionGenetics, part of Exact Sciences
Classification: Uncertain significance for PKD1-related condition. Last evaluated: 2024-08-27. Review status: no assertion criteria provided. Collection method: clinical testing. Allele origin: germline.
Comment: The PKD1 c.970C>T variant is predicted to result in the amino acid substitution p.Arg324Cys. To our knowledge, this variant has not been reported in the literature. This variant is reported in 0.0037% of alleles in individuals of South Asian descent in gnomAD. At this time, the clinical significance of this variant is uncertain due to the absence of conclusive functional and genetic evidence.

NM_001009944.3(PKD1):c.970C>T (p.Arg324Cys)

Gene: PKD1 (polycystin 1, transient receptor potential channel interacting; minus strand). Cytogenetic location: 16p13.3.
Variant type: single nucleotide variant.
Coding change: c.970C>T on transcript NM_001009944.3 (MANE Select); coding-DNA position 970, C replaced by T.
Protein change: p.Arg324Cys; replaces arginine 324 with cysteine.
Molecular consequence: missense variant.
Genome position (GRCh38, 1-based): chr16:2,118,022, G>A on the plus strand (C>T on the coding strand, the complement: PKD1 is on the minus strand). VCF-style: chr16-2118022-G-A. GRCh37 (hg19) VCF-style: chr16-2168023-G-A.
Other names: c.970C>T, p.Arg324Cys (NM_000296.4); short protein forms R324C.
Identifiers: ClinVar variation 3345731 (VCV003345731.1).